The following is an entry in ClinVar:

NM_001754.5(RUNX1):c.641C>T (p.Thr214Ile)

Gene: RUNX1 (RUNX family transcription factor 1; minus strand). Cytogenetic location: 21q22.12.
Variant type: single nucleotide variant.
Coding change: c.641C>T on transcript NM_001754.5 (MANE Select); coding-DNA position 641, C replaced by T.
Protein change: p.Thr214Ile; replaces threonine 214 with isoleucine.
Molecular consequence: missense variant.
Genome position (GRCh38, 1-based): chr21:34,834,574, G>A on the plus strand (C>T on the coding strand, the complement: RUNX1 is on the minus strand). VCF-style: chr21-34834574-G-A. GRCh37 (hg19) VCF-style: chr21-36206871-G-A.
Other names: NM_001754.5(RUNX1):c.641C>T; p.Thr214Ile; c.560C>T, p.Thr187Ile (NM_001001890.3, NM_001122607.2); short protein forms T214I, T187I.
Identifiers: ClinVar variation 239050 (VCV000239050.12), dbSNP rs747505757, ClinGen allele CA10014388.

ClinVar aggregate classification (germline): Uncertain significance. Review status: reviewed by expert panel (3 of 4 stars). 3 submissions from 3 submitters: Uncertain significance (1). 2 of the submissions do not count toward it. Last evaluated 2024-07-17.

Conditions:
Hereditary thrombocytopenia and hematological cancer predisposition syndrome associated with RUNX1. Also called: Familial Platelet Disorder with Propensity to Acute Myelogenous Leukemia; Familial thrombocytopenia with propensity to acute myelogenous leukemia; PLATELET DISORDER, ASPIRIN-LIKE; RUNX1 Familial Platelet Disorder with Associated Myeloid Malignancies. Identifiers: Orphanet 71290, MedGen C1832388, MeSH C563324, MONDO:0100083, OMIM 601399.
Inborn genetic diseases. Identifiers: MedGen C0950123, MeSH D030342.

Allele frequency attached by ClinVar (database versions not stated): gnomAD exomes 0.00001; TOPMed 0.00001; ExAC 0.00001; gnomAD 0.00001.
gnomAD v4.1: 17 of 1,497,386 alleles (0.0011%); highest among the groups gnomAD compares: East Asian, 0.0028%; no homozygotes.

Submissions (3):

ClinGen Myeloid Malignancy Variant Curation Expert Panel
Classification: Uncertain significance for Hereditary thrombocytopenia and hematological cancer predisposition syndrome associated with RUNX1. Last evaluated: 2024-07-17. Review status: reviewed by expert panel. Criteria: ClinGen MyeloMalig ACMG Specifications v2. Collection method: curation. Allele origin: germline. Inheritance: Autosomal dominant inheritance.
Comment: NM_001754.5(RUNX1):c.641C>T (p.Thr214Ile) is a missense variant which does not meet any ACMG/AMP criteria. In summary, the clinical significance of this variant is uncertain. ACMG/AMP criteria applied, as specified by the Myeloid Malignancy Variant Curation Expert Panel for RUNX1: None.

Labcorp Genetics (formerly Invitae), Labcorp
Classification: Uncertain significance for Hereditary thrombocytopenia and hematological cancer predisposition syndrome associated with RUNX1. Last evaluated: 2025-10-21. Review status: criteria provided, single submitter. Criteria: Invitae Variant Classification Sherloc (09022015). Collection method: clinical testing. Allele origin: germline. Not counted in ClinVar's aggregate classification.
Comment: This sequence change replaces threonine, which is neutral and polar, with isoleucine, which is neutral and non-polar, at codon 214 of the RUNX1 protein (p.Thr214Ile). This variant is present in population databases (rs747505757, gnomAD 0.005%). This variant has not been reported in the literature in individuals affected with RUNX1-related conditions. ClinVar contains an entry for this variant (Variation ID: 239050). Invitae Evidence Modeling of protein sequence and biophysical properties (such as structural, functional, and spatial information, amino acid conservation, physicochemical variation, residue mobility, and thermodynamic stability) has been performed for this missense variant. However, the output from this modeling did not meet the statistical confidence thresholds required to predict the impact of this variant on RUNX1 protein function. In summary, the available evidence is currently insufficient to determine the role of this variant in disease. Therefore, it has been classified as a Variant of Uncertain Significance.

Ambry Genetics
Classification: Uncertain significance for Inborn genetic diseases. Last evaluated: 2025-06-06. Review status: criteria provided, single submitter. Criteria: Ambry Variant Classification Scheme 2023. Collection method: clinical testing. Allele origin: germline. Not counted in ClinVar's aggregate classification.
Comment: The p.T214I variant (also known as c.641C>T), located in coding exon 6 of the RUNX1 gene, results from a C to T substitution at nucleotide position 641. The threonine at codon 214 is replaced by isoleucine, an amino acid with similar properties. This amino acid position is well conserved in available vertebrate species. In addition, the in silico prediction for this alteration is inconclusive. Based on the available evidence, the clinical significance of this variant remains unclear.